The following is an entry in ClinVar:

ClinVar aggregate classification (germline): Pathogenic (1 of 4 stars; one submission).

Submission:

GeneDx
Classification: Pathogenic. Last evaluated: 2015-12-21. Review status: criteria provided, single submitter. Criteria: GeneDx Variant Classification (06012015). Collection method: clinical testing. Allele origin: germline. Affected: yes.
Comment: The c.186dupC pathogenic variant in the COL6A2 gene has not been reported previously as a pathogenic variant nor as a benign variant, to our knowledge. The c.186dupC variant causes a frameshift starting with codon Threonine 63, changes this amino acid to a Histidine residue, and creates a premature Stop codon at position 41 of the new reading frame, denoted p.Thr63HisfsX41. This variant is predicted to cause loss of normal protein function either through protein truncation or nonsense-mediated mRNA decay. The c.186dupC variant was not observed in approximately 6,500 individuals of European and African American ancestry in the NHLBI Exome Sequencing Project, indicating it is not a common benign variant in these populations. We interpret c.186dupC as a pathogenic variant.

NM_001849.4(COL6A2):c.186dup (p.Thr63fs)

Gene: COL6A2 (collagen type VI alpha 2 chain; plus strand). Cytogenetic location: 21q22.3.
Variant type: Duplication.
Coding change: c.186dup on transcript NM_001849.4 (MANE Select); coding-DNA position 186, one base duplicated (C; older notation c.186dupC).
Protein change: p.Thr63fs; shifts the reading frame from threonine 63.
Molecular consequence: frameshift variant.
Genome position (GRCh38, 1-based): chr21:46,112,049, C duplicated; the last of 5 consecutive C bases (chr21:46,112,045-46,112,049); duplicating any one gives the same sequence. VCF-style (leftmost placement, unchanged base first): chr21-46112044-T-TC. GRCh37 (hg19) VCF-style: chr21-47531958-T-TC.
Other names: c.186dup, p.Thr63fs (NM_058174.3, NM_058175.3); c.186dupC (NM_001849.3); short protein forms T63fs.
Identifiers: ClinVar variation 280188 (VCV000280188.2), dbSNP rs886041439, ClinGen allele CA10603378.